The following is an entry in ClinVar:

NM_000069.3(CACNA1S):c.1233-190C>T

Gene: CACNA1S (calcium voltage-gated channel subunit alpha1 S; minus strand). Cytogenetic location: 1q32.1.
Variant type: single nucleotide variant.
Coding change: c.1233-190C>T on transcript NM_000069.3 (MANE Select); 190 bases into the intron before coding-DNA position 1233, C replaced by T.
Molecular consequence: intron variant.
Genome position (GRCh38, 1-based): chr1:201,083,512, G>A on the plus strand (C>T on the coding strand, the complement: CACNA1S is on the minus strand). VCF-style: chr1-201083512-G-A. GRCh37 (hg19) VCF-style: chr1-201052640-G-A.
Identifiers: ClinVar variation 678219 (VCV000678219.1), dbSNP rs4915478, ClinGen allele CA10697329.
Genomic context (GRCh38, chr1:201,083,512, plus strand): 5'-GCTCAGGGCATGAGCTAGGGAGCCAGACTGAGTAAAATCCTCCATCTTTCACAGAAGAGC[G>A]ATAATGACACAAACCTCCGAGGCAATGGAATGAGAGGATGCACGCAAAATGCTTAGCACA-3'

ClinVar aggregate classification (germline): Benign (1 of 4 stars; one submission).

Allele frequency attached by ClinVar (database versions not stated): gnomAD 0.62254 and 0.63317; TOPMed 0.64199; 1000 Genomes Project 30x 0.77795; 1000 Genomes Project 0.78315.

Submission:

GeneDx
Classification: Benign. Last evaluated: 2018-06-18. Review status: criteria provided, single submitter. Criteria: GeneDx Variant Classification (06012015). Collection method: clinical testing. Allele origin: germline. Affected: yes.
Comment: This variant is considered likely benign or benign based on one or more of the following criteria: it is a conservative change, it occurs at a poorly conserved position in the protein, it is predicted to be benign by multiple in silico algorithms, and/or has population frequency not consistent with disease.